The following is an entry in ClinVar:

ClinVar aggregate classification (germline): Likely benign. Review status: criteria provided, multiple submitters, no conflicts (2 of 4 stars). 2 submissions from 2 submitters: Likely benign (2). Last evaluated 2026-07-01.

Allele frequency attached by ClinVar (database versions not stated): gnomAD exomes 0.00001; gnomAD 0.00003; ExAC 0.00004; TOPMed 0.00005; ESP Exome Variant Server 0.00008.
gnomAD v4.1: 21 of 1,614,118 alleles (0.0013%); highest among the groups gnomAD compares: Admixed American, 0.0083%; no homozygotes.

Submissions (2):

CeGaT Center for Human Genetics Tuebingen
Classification: Likely benign. Last evaluated: 2026-07-01. Review status: criteria provided, single submitter. Criteria: CeGaT Center For Human Genetics Tuebingen Variant Classification Criteria Version 2. Collection method: clinical testing. Allele origin: germline. Affected: yes. Observed: 1 variant allele.
Comment: TCF20: BP4, BP7

Labcorp Genetics (formerly Invitae), Labcorp
Classification: Likely benign. Last evaluated: 2025-06-09. Review status: criteria provided, single submitter. Criteria: Invitae Variant Classification Sherloc (09022015). Collection method: clinical testing. Allele origin: germline.

NM_001378418.1(TCF20):c.3651G>A (p.Glu1217=)

Gene: TCF20 (transcription factor 20; minus strand). Cytogenetic location: 22q13.2.
Variant type: single nucleotide variant.
Coding change: c.3651G>A on transcript NM_001378418.1 (MANE Select); coding-DNA position 3651, G replaced by A.
Protein change: p.Glu1217=; no amino-acid change (glutamic acid 1217 retained).
Molecular consequence: synonymous variant.
Genome position (GRCh38, 1-based): chr22:42,211,655, C>T on the plus strand (G>A on the coding strand, the complement: TCF20 is on the minus strand). VCF-style: chr22-42211655-C-T. GRCh37 (hg19) VCF-style: chr22-42607661-C-T.
Other names: c.3651G>A, p.Glu1217= (NM_005650.4, NM_181492.3).
Identifiers: ClinVar variation 2195900 (VCV002195900.5), dbSNP rs373379726, ClinGen allele CA10266791.